The following is an entry in ClinVar:

ClinVar aggregate classification (germline): Uncertain significance. Review status: criteria provided, multiple submitters, no conflicts (2 of 4 stars). 2 submissions from 2 submitters: Uncertain significance (2). Last evaluated 2025-08-18.

Conditions:
Inborn genetic diseases. Identifiers: MedGen C0950123, MeSH D030342.

Allele frequency attached by ClinVar (database versions not stated): gnomAD 0.00001; gnomAD exomes 0.00001; TOPMed 0.00003; ExAC 0.00004; ESP Exome Variant Server 0.00008.
gnomAD v4.1: 18 of 1,613,924 alleles (0.0011%); highest among the groups gnomAD compares: African/African-American, 0.0067%; no homozygotes.

Submissions (2):

Labcorp Genetics (formerly Invitae), Labcorp
Classification: Uncertain significance. Last evaluated: 2025-08-18. Review status: criteria provided, single submitter. Criteria: Invitae Variant Classification Sherloc (09022015). Collection method: clinical testing. Allele origin: germline.
Comment: This sequence change replaces arginine, which is basic and polar, with cysteine, which is neutral and slightly polar, at codon 651 of the COL27A1 protein (p.Arg651Cys). This variant is present in population databases (rs139991707, gnomAD 0.006%). This variant has not been reported in the literature in individuals affected with COL27A1-related conditions. ClinVar contains an entry for this variant (Variation ID: 2227162). Invitae Evidence Modeling of protein sequence and biophysical properties (such as structural, functional, and spatial information, amino acid conservation, physicochemical variation, residue mobility, and thermodynamic stability) indicates that this missense variant is expected to disrupt COL27A1 protein function with a positive predictive value of 80%. In summary, the available evidence is currently insufficient to determine the role of this variant in disease. Therefore, it has been classified as a Variant of Uncertain Significance.

Ambry Genetics
Classification: Uncertain significance for Inborn genetic diseases. Last evaluated: 2022-01-04. Review status: criteria provided, single submitter. Criteria: Ambry Variant Classification Scheme 2023. Collection method: clinical testing. Allele origin: germline.

NM_032888.4(COL27A1):c.1951C>T (p.Arg651Cys)

Gene: COL27A1 (collagen type XXVII alpha 1 chain; plus strand). Cytogenetic location: 9q32.
Variant type: single nucleotide variant.
Coding change: c.1951C>T on transcript NM_032888.4 (MANE Select); coding-DNA position 1951, C replaced by T.
Protein change: p.Arg651Cys; replaces arginine 651 with cysteine.
Molecular consequence: missense variant.
Genome position (GRCh38, 1-based): chr9:114,178,333, C>T. VCF-style: chr9-114178333-C-T. GRCh37 (hg19) VCF-style: chr9-116940613-C-T.
Other names: short protein forms R651C.
Identifiers: ClinVar variation 2227162 (VCV002227162.3), dbSNP rs139991707, ClinGen allele CA5201539.